The following is an entry in ClinVar:

NM_018124.4(RFWD3):c.1522T>C (p.Tyr508His)

Gene: RFWD3 (ring finger and WD repeat domain 3; minus strand). Cytogenetic location: 16q23.1.
Variant type: single nucleotide variant.
Coding change: c.1522T>C on transcript NM_018124.4 (MANE Select); coding-DNA position 1522, T replaced by C.
Protein change: p.Tyr508His; replaces tyrosine 508 with histidine.
Molecular consequence: missense variant.
Genome position (GRCh38, 1-based): chr16:74,632,578, A>G on the plus strand (T>C on the coding strand, the complement: RFWD3 is on the minus strand). VCF-style: chr16-74632578-A-G. GRCh37 (hg19) VCF-style: chr16-74666476-A-G.
Other names: c.1522T>C, p.Tyr508His (NM_001370534.1, NM_001370535.1, NM_001370536.1); c.688T>C, p.Tyr230His (NM_001370537.1, NM_001370539.1, NM_001370540.1 and 3 more transcripts); short protein forms Y230H, Y508H.
Identifiers: ClinVar variation 2746287 (VCV002746287.3), dbSNP rs2543964808, ClinGen allele CA396760611.
Genomic context (GRCh38, chr16:74,632,578, plus strand): 5'-CTCACCTGGTCAGTTTAATAGTGTTGTCTAGGGAAGCAGAGAGTAGCAAGCCTCTGAGGT[A>G]ACTGCTAAACGCCAGTCCACGGATCTGTTTGCCATGCATCGGAATGTACTGACTGCTCTT-3'
Protein context (NP_060594.3, residues 498-518): KQIRGLAFSS[Tyr508His]LRGLLLSASL

ClinVar aggregate classification (germline): Uncertain significance (1 of 4 stars; one submission).

Allele frequency attached by ClinVar (database versions not stated): gnomAD exomes below 0.00001.
gnomAD v4.1: 3 of 1,614,174 alleles (0.00019%); highest among the groups gnomAD compares: Admixed American, 0.0017%; no homozygotes.

Submission:

Labcorp Genetics (formerly Invitae), Labcorp
Classification: Uncertain significance. Last evaluated: 2023-07-25. Review status: criteria provided, single submitter. Criteria: Invitae Variant Classification Sherloc (09022015). Collection method: clinical testing. Allele origin: germline.
Comment: In summary, the available evidence is currently insufficient to determine the role of this variant in disease. Therefore, it has been classified as a Variant of Uncertain Significance. Algorithms developed to predict the effect of missense changes on protein structure and function output the following: SIFT: "Not Available"; PolyPhen-2: "Benign"; Align-GVGD: "Not Available". The histidine amino acid residue is found in multiple mammalian species, which suggests that this missense change does not adversely affect protein function. This variant has not been reported in the literature in individuals affected with RFWD3-related conditions. This variant is not present in population databases (gnomAD no frequency). This sequence change replaces tyrosine, which is neutral and polar, with histidine, which is basic and polar, at codon 508 of the RFWD3 protein (p.Tyr508His).